The following is an entry in ClinVar:

ClinVar aggregate classification (germline): Uncertain significance (1 of 4 stars; one submission).

Allele frequency attached by ClinVar (database versions not stated): gnomAD 0.00001; gnomAD exomes 0.00001 and 0.00003; ExAC 0.00002.
gnomAD v4.1: 45 of 1,613,956 alleles (0.0028%); highest among the groups gnomAD compares: Non-Finnish European, 0.0037%; no homozygotes.

Submission:

Labcorp Genetics (formerly Invitae), Labcorp
Classification: Uncertain significance. Last evaluated: 2021-08-27. Review status: criteria provided, single submitter. Criteria: Invitae Variant Classification Sherloc (09022015). Collection method: clinical testing. Allele origin: germline.
Comment: This sequence change replaces alanine with threonine at codon 1905 of the NBAS protein (p.Ala1905Thr). The alanine residue is highly conserved and there is a small physicochemical difference between alanine and threonine. This variant is present in population databases (rs752231399, ExAC 0.003%). This variant has not been reported in the literature in individuals affected with NBAS-related conditions. Algorithms developed to predict the effect of missense changes on protein structure and function (SIFT, PolyPhen-2, Align-GVGD) all suggest that this variant is likely to be disruptive. In summary, the available evidence is currently insufficient to determine the role of this variant in disease. Therefore, it has been classified as a Variant of Uncertain Significance.

NM_015909.4(NBAS):c.5713G>A (p.Ala1905Thr)

Gene: NBAS (NBAS subunit of NRZ tethering complex; minus strand). Cytogenetic location: 2p24.3.
Variant type: single nucleotide variant.
Coding change: c.5713G>A on transcript NM_015909.4 (MANE Select); coding-DNA position 5713, G replaced by A.
Protein change: p.Ala1905Thr; replaces alanine 1905 with threonine.
Molecular consequence: missense variant. On other transcripts: non-coding transcript variant (1).
Genome position (GRCh38, 1-based): chr2:15,275,495, C>T on the plus strand (G>A on the coding strand, the complement: NBAS is on the minus strand). VCF-style: chr2-15275495-C-T. GRCh37 (hg19) VCF-style: chr2-15415619-C-T.
Other names: short protein forms A1905T.
Identifiers: ClinVar variation 1449528 (VCV001449528.5), dbSNP rs752231399, ClinGen allele CA1535243.